The following is an entry in ClinVar:

ClinVar aggregate classification (germline): Pathogenic (1 of 4 stars; one submission).

Conditions:
Tuberous sclerosis 2 (TSC2). Identifiers: Orphanet 805, MedGen C1860707, MONDO:0013199, OMIM 613254.

Submission:

Labcorp Genetics (formerly Invitae), Labcorp
Classification: Pathogenic for Tuberous sclerosis 2. Last evaluated: 2021-07-08. Review status: criteria provided, single submitter. Criteria: Invitae Variant Classification Sherloc (09022015). Collection method: clinical testing. Allele origin: germline.
Comment: For these reasons, this variant has been classified as Pathogenic. Algorithms developed to predict the effect of sequence changes on RNA splicing suggest that this variant may create or strengthen a splice site. This sequence change creates a premature translational stop signal (p.Arg1103*) in the TSC2 gene. It is expected to result in an absent or disrupted protein product. Loss-of-function variants in TSC2 are known to be pathogenic (PMID: 10205261, 17304050). This variant is not present in population databases (ExAC no frequency). This variant has not been reported in the literature in individuals affected with TSC2-related conditions.

Literature cited by the submitters: PubMed 10205261; PubMed 17304050.

NM_000548.5(TSC2):c.3305_3306dup (p.Arg1103Ter)

Gene: TSC2 (TSC complex subunit 2; plus strand). Cytogenetic location: 16p13.3.
Variant type: Microsatellite.
Coding change: c.3305_3306dup on transcript NM_000548.5 (MANE Select); coding-DNA positions 3305 to 3306, 2 bases duplicated (TG; older notation c.3305_3306dupTG).
Protein change: p.Arg1103Ter; replaces arginine 1103 with a stop codon.
Molecular consequence: nonsense.
Genome position (GRCh38, 1-based): chr16:2,079,577-2,079,578, TG duplicated; duplicating any 2 consecutive bases within chr16:2,079,575-2,079,578 gives the same sequence; the c. name uses the placement nearest the transcript's 3' end. VCF-style (leftmost placement, unchanged base first): chr16-2079574-A-ATG. GRCh37 (hg19) VCF-style: chr16-2129575-A-ATG.
Other names: c.3176_3177dup, p.Arg1060Ter (NM_001370405.1, NM_001363528.2, NM_021055.3); c.3173_3174dup, p.Arg1059Ter (NM_001370404.1, NM_001077183.3); c.3305_3306dup, p.Arg1103Ter (NM_001114382.3); c.3065_3066dup, p.Arg1023Ter (NM_001318827.2); c.3029_3030dup, p.Arg1011Ter (NM_001318829.2); c.2573_2574dup, p.Arg859Ter (NM_001318831.2); c.3206_3207dup, p.Arg1070Ter (NM_001318832.2); short protein forms R1060*, R1070*, R859*, R1011*, R1023*, R1059*, R1103*.
Identifiers: ClinVar variation 1392118 (VCV001392118.6), dbSNP rs2151444781, ClinGen allele CA2580612694.